The following is an entry in ClinVar:

NM_016204.4(GDF2):c.146C>T (p.Pro49Leu)

Gene: GDF2 (growth differentiation factor 2; plus strand). Cytogenetic location: 10q11.22.
Variant type: single nucleotide variant.
Coding change: c.146C>T on transcript NM_016204.4 (MANE Select); coding-DNA position 146, C replaced by T.
Protein change: p.Pro49Leu; replaces proline 49 with leucine.
Molecular consequence: missense variant.
Genome position (GRCh38, 1-based): chr10:47,322,814, C>T. VCF-style: chr10-47322814-C-T. GRCh37 (hg19) VCF-style: chr10-48416548-G-A.
Other names: short protein forms P49L.
Identifiers: ClinVar variation 3226907 (VCV003226907.1), dbSNP rs563112709, ClinGen allele CA5488193.

ClinVar aggregate classification (germline): Uncertain significance (1 of 4 stars; one submission).

Conditions:
Cardiovascular phenotype. Identifiers: MedGen CN230736.

Allele frequency attached by ClinVar (database versions not stated): ExAC 0.00001; gnomAD 0.00001; 1000 Genomes Project 0.00020; 1000 Genomes Project 30x 0.00031.
gnomAD v4.1: 1 of 1,613,932 alleles (0.000062%); highest among the groups gnomAD compares: African/African-American, 0.0013%; no homozygotes.

Submission:

Ambry Genetics
Classification: Uncertain significance for Cardiovascular phenotype. Last evaluated: 2024-02-12. Review status: criteria provided, single submitter. Criteria: Ambry Variant Classification Scheme 2023. Collection method: clinical testing. Allele origin: germline.
Comment: The p.P49L variant (also known as c.146C>T), located in coding exon 1 of the GDF2 gene, results from a C to T substitution at nucleotide position 146. The proline at codon 49 is replaced by leucine, an amino acid with similar properties. This amino acid position is poorly conserved in available vertebrate species. In addition, this alteration is predicted to be neutral by in silico analysis (Choi Y et al. PLoS ONE. 2012; 7(10):e46688). Based on the available evidence, the clinical significance of this alteration remains unclear.